The following is an entry in ClinVar:

NM_021096.4(CACNA1I):c.2155A>G (p.Ile719Val)

Gene: CACNA1I (calcium voltage-gated channel subunit alpha1 I; plus strand). Cytogenetic location: 22q13.1.
Variant type: single nucleotide variant.
Coding change: c.2155A>G on transcript NM_021096.4 (MANE Select); coding-DNA position 2155, A replaced by G.
Protein change: p.Ile719Val; replaces isoleucine 719 with valine.
Molecular consequence: missense variant.
Genome position (GRCh38, 1-based): chr22:39,658,941, A>G. VCF-style: chr22-39658941-A-G. GRCh37 (hg19) VCF-style: chr22-40054946-A-G.
Other names: c.2050A>G, p.Ile684Val (NM_001003406.2); short protein forms I684V, I719V.
Identifiers: ClinVar variation 4975155 (VCV004975155.1).

ClinVar aggregate classification (germline): Uncertain significance (1 of 4 stars; one submission).

gnomAD v4.1: 1 of 1,596,410 alleles (0.000063%); highest among the groups gnomAD compares: South Asian, 0.0011%; no homozygotes.

Submission:

GeneDx
Classification: Uncertain significance. Last evaluated: 2026-03-17. Review status: criteria provided, single submitter. Criteria: GeneDx Variant Classification Process June 2021. Collection method: clinical testing. Allele origin: germline.
Comment: Not observed at significant frequency in large population cohorts (gnomAD); In silico analysis suggests that this missense variant does not alter protein structure/function; Has not been previously published as pathogenic or benign to our knowledge